The following is an entry in ClinVar:

NM_002444.3(MSN):c.326G>A (p.Gly109Asp)

Gene: MSN (moesin; plus strand). Cytogenetic location: Xq12.
Variant type: single nucleotide variant.
Coding change: c.326G>A on transcript NM_002444.3 (MANE Select); coding-DNA position 326, G replaced by A.
Protein change: p.Gly109Asp; replaces glycine 109 with aspartic acid.
Molecular consequence: missense variant.
Genome position (GRCh38, 1-based): chrX:65,729,571, G>A. VCF-style: chrX-65729571-G-A. GRCh37 (hg19) VCF-style: chrX-64949433-G-A.
Other names: short protein forms G109D.
Identifiers: ClinVar variation 1368795 (VCV001368795.8), dbSNP rs2147511614, ClinGen allele CA413415507.

ClinVar aggregate classification (germline): Uncertain significance (1 of 4 stars; one submission).

gnomAD v4.1: 2 of 1,211,832 alleles (0.00017%); highest among the groups gnomAD compares: Non-Finnish European, 0.00022%; no homozygotes.

Submission:

Labcorp Genetics (formerly Invitae), Labcorp
Classification: Uncertain significance. Last evaluated: 2021-05-26. Review status: criteria provided, single submitter. Criteria: Invitae Variant Classification Sherloc (09022015). Collection method: clinical testing. Allele origin: germline.
Comment: In summary, the available evidence is currently insufficient to determine the role of this variant in disease. Therefore, it has been classified as a Variant of Uncertain Significance. Algorithms developed to predict the effect of missense changes on protein structure and function (SIFT, PolyPhen-2, Align-GVGD) all suggest that this variant is likely to be tolerated, but these predictions have not been confirmed by published functional studies and their clinical significance is uncertain. This variant has not been reported in the literature in individuals with MSN-related conditions. This variant is not present in population databases (ExAC no frequency). This sequence change replaces glycine with aspartic acid at codon 109 of the MSN protein (p.Gly109Asp). The glycine residue is moderately conserved and there is a moderate physicochemical difference between glycine and aspartic acid.